The following is an entry in ClinVar:

NM_001184.4(ATR):c.4267-14A>G

Gene: ATR (ATR checkpoint kinase; minus strand). Cytogenetic location: 3q23.
Variant type: single nucleotide variant.
Coding change: c.4267-14A>G on transcript NM_001184.4 (MANE Select); 14 bases into the intron before coding-DNA position 4267, A replaced by G.
Molecular consequence: intron variant.
Genome position (GRCh38, 1-based): chr3:142,519,798, T>C on the plus strand (A>G on the coding strand, the complement: ATR is on the minus strand). VCF-style: chr3-142519798-T-C. GRCh37 (hg19) VCF-style: chr3-142238640-T-C.
Other names: c.4075-14A>G (NM_001354579.2).
Identifiers: ClinVar variation 4715435 (VCV004715435.1).

ClinVar aggregate classification (germline): Uncertain significance (1 of 4 stars; one submission).

Submission:

Labcorp Genetics (formerly Invitae), Labcorp
Classification: Uncertain significance. Last evaluated: 2025-07-07. Review status: criteria provided, single submitter. Criteria: Invitae Variant Classification Sherloc (09022015). Collection method: clinical testing. Allele origin: germline.
Comment: This sequence change falls in intron 23 of the ATR gene. It does not directly change the encoded amino acid sequence of the ATR protein. This variant is not present in population databases (gnomAD no frequency). This variant has not been reported in the literature in individuals affected with ATR-related conditions. Algorithms developed to predict the effect of sequence changes on RNA splicing suggest that this variant may disrupt the consensus splice site. In summary, the available evidence is currently insufficient to determine the role of this variant in disease. Therefore, it has been classified as a Variant of Uncertain Significance.